The following is an entry in ClinVar:

NM_001253697.2(ERBIN):c.3640C>T (p.Pro1214Ser)

Gene: ERBIN (erbb2 interacting protein; plus strand). Cytogenetic location: 5q12.3.
Variant type: single nucleotide variant.
Coding change: c.3640C>T on transcript NM_001253697.2 (MANE Select); coding-DNA position 3640, C replaced by T.
Protein change: p.Pro1214Ser; replaces proline 1214 with serine.
Molecular consequence: missense variant. On other transcripts: intron variant (5).
Genome position (GRCh38, 1-based): chr5:66,072,175, C>T. VCF-style: chr5-66072175-C-T. GRCh37 (hg19) VCF-style: chr5-65368003-C-T.
Other names: c.3778-2849C>T (NM_001253699.2); c.3634-2849C>T (NM_018695.4, NM_001253698.2); c.3634-4141C>T (NM_001006600.3); c.3622-2849C>T (NM_001253701.2); short protein forms P1214S.
Identifiers: ClinVar variation 3030555 (VCV003030555.4), dbSNP rs1390054128, ClinGen allele CA359870618.
Genomic context (GRCh38, chr5:66,072,175, plus strand): 5'-GGTTTCACATCTTAAAGAACATTATTTGTTTACTTTTTATTTCCTGCTCATTAGAAGCAT[C>T]CCCAGACATCCAGTTCAGGAGATCCTTGTCAAGATGGTATATTCATTTCAGGACAGCAGA-3'
Protein context (NP_001240626.1, residues 1204-1224): IEAKKLEKKH[Pro1214Ser]QTSSSGDPCQ

ClinVar aggregate classification (germline): Uncertain significance. Review status: criteria provided, single submitter (1 of 4 stars). 2 submissions from 2 submitters: Uncertain significance (1). 1 of the submissions does not count toward it. Last evaluated 2025-05-25.

Conditions:
ERBIN-related disorder. Also called: ERBIN-related condition.

Allele frequency attached by ClinVar (database versions not stated): gnomAD 0.00001; gnomAD exomes 0.00002; TOPMed below 0.00001.
gnomAD v4.1: 22 of 1,549,030 alleles (0.0014%); highest among the groups gnomAD compares: Non-Finnish European, 0.0019%; no homozygotes.

Submissions (2):

Labcorp Genetics (formerly Invitae), Labcorp
Classification: Uncertain significance. Last evaluated: 2025-05-25. Review status: criteria provided, single submitter. Criteria: Invitae Variant Classification Sherloc (09022015). Collection method: clinical testing. Allele origin: germline.
Comment: This sequence change replaces proline, which is neutral and non-polar, with serine, which is neutral and polar, at codon 1214 of the ERBIN protein (p.Pro1214Ser). This variant is present in population databases (no rsID available, gnomAD 0.004%). This variant has not been reported in the literature in individuals affected with ERBIN-related conditions. ClinVar contains an entry for this variant (Variation ID: 3030555). An algorithm developed to predict the effect of missense changes on protein structure and function (PolyPhen-2) suggests that this variant is likely to be tolerated. In summary, the available evidence is currently insufficient to determine the role of this variant in disease. Therefore, it has been classified as a Variant of Uncertain Significance.

PreventionGenetics, part of Exact Sciences
Classification: Uncertain significance for ERBIN-related condition. Last evaluated: 2023-11-22. Review status: no assertion criteria provided. Collection method: clinical testing. Allele origin: germline. Not counted in ClinVar's aggregate classification.
Comment: The ERBIN c.3640C>T variant is predicted to result in the amino acid substitution p.Pro1214Ser. To our knowledge, this variant has not been reported in the literature. This variant is reported in 0.0056% of alleles in individuals of European (Non-Finnish) descent in gnomAD. At this time, the clinical significance of this variant is uncertain due to the absence of conclusive functional and genetic evidence.